The following is an entry in ClinVar:

ClinVar aggregate classification (germline): Uncertain significance (1 of 4 stars; one submission).

Allele frequency attached by ClinVar (database versions not stated): gnomAD 0.00001.
gnomAD v4.1: 1 of 1,613,238 alleles (0.000062%); highest among the groups gnomAD compares: Admixed American, 0.0017%; no homozygotes.

Submission:

GeneDx
Classification: Uncertain significance. Last evaluated: 2013-11-01. Review status: criteria provided, single submitter. Criteria: GeneDx Variant Classification (06012015). Collection method: clinical testing. Allele origin: germline. Affected: yes.
Comment: Missense variants in the TTN gene are considered 'unclassified' if they are not previously reported in the literature and do not have >1% frequency in the population to be considered a polymorphism. Research indicates that truncating mutations in the TTN gene are expected to account for approximately 25% of familial and 18% of sporadic idiopathic DCM; however, truncating variants in the TTN gene have been reported in approximately 3% of reported control alleles. There has been little investigation into non-truncating variants. (Herman D et al. Truncations of titin causing dilated cardiomyopathy. N Eng J Med 366:619-628, 2012) The variant is found in DCM-CRDM panel(s).

NM_133379.5(TTN):c.15602G>T (p.Gly5201Val)

Gene: TTN (titin; minus strand). Cytogenetic location: 2q31.2.
Variant type: single nucleotide variant.
Coding change: c.15602G>T on transcript NM_133379.5 (MANE Plus Clinical); coding-DNA position 15602, G replaced by T.
Protein change: p.Gly5201Val; replaces glycine 5201 with valine.
Molecular consequence: missense variant. On other transcripts: intron variant (6).
Genome position (GRCh38, 1-based): chr2:178,746,798, C>A on the plus strand (G>T on the coding strand, the complement: TTN is on the minus strand). VCF-style: chr2-178746798-C-A. GRCh37 (hg19) VCF-style: chr2-179611525-C-A.
Other names: p.G5201V:GGC>GTC; c.10223-4877G>T (NM_003319.4); c.10799-4877G>T (NM_133437.4); c.10598-4877G>T (NM_133432.3); c.10360+6326G>T (NM_133378.4); c.10361-4877G>T (NM_001256850.1); c.11312-4877G>T (NM_001267550.2); short protein forms G5201V.
Identifiers: ClinVar variation 203209 (VCV000203209.2), dbSNP rs794729596, ClinGen allele CA311686.